The following is an entry in ClinVar:

NM_006129.5(BMP1):c.584dup (p.Gln197fs)

Gene: BMP1 (bone morphogenetic protein 1; plus strand). Cytogenetic location: 8p21.3.
Variant type: Duplication.
Coding change: c.584dup on transcript NM_006129.5 (MANE Select); coding-DNA position 584, one base duplicated (G; older notation c.584dupG).
Protein change: p.Gln197fs; shifts the reading frame from glutamine 197.
Molecular consequence: frameshift variant. On other transcripts: non-coding transcript variant (2).
Genome position (GRCh38, 1-based): chr8:22,176,993, G duplicated; the last of 5 consecutive G bases (chr8:22,176,989-22,176,993); duplicating any one gives the same sequence. VCF-style (leftmost placement, unchanged base first): chr8-22176988-C-CG. GRCh37 (hg19) VCF-style: chr8-22034501-C-CG.
Other names: c.584dup, p.Gln197fs (NM_001199.4); c.584dupG (NM_006129.5); short protein forms Q197fs.
Identifiers: ClinVar variation 1299300 (VCV001299300.3), dbSNP rs1828459412, ClinGen allele CA1111714369.

ClinVar aggregate classification (germline): Pathogenic. Review status: criteria provided, multiple submitters, no conflicts (2 of 4 stars). 2 submissions from 2 submitters: Pathogenic (2). Last evaluated 2024-11-05.

Conditions:
Osteogenesis imperfecta type 13. Also called: OI, TYPE XIII; Osteogenesis imperfecta, type xiii. Identifiers: Orphanet 666, MedGen C3553887, MONDO:0013924, OMIM 614856.
Osteogenesis imperfecta (OI). Identifiers: Orphanet 666, MedGen C0029434, MeSH D010013, MONDO:0019019.

Submissions (2):

Women's Health and Genetics/Laboratory Corporation of America, LabCorp
Classification: Pathogenic for Osteogenesis imperfecta. Last evaluated: 2024-11-05. Review status: criteria provided, single submitter. Criteria: LabCorp Variant Classification Summary - May 2015. Collection method: clinical testing. Allele origin: germline.
Comment: Variant summary: BMP1 c.584dupG (p.Gln197ProfsX10) results in a premature termination codon, predicted to cause a truncation of the encoded protein or absence of the protein due to nonsense mediated decay, which are commonly known mechanisms for disease. The variant was absent in 244878 control chromosomes (gnomAD). c.584dupG has been reported in the literature in at least an individual affected with BMP1-related conditions (example: Kuptanon_2022). These data indicate that the variant is likely to be associated with disease. To our knowledge, no experimental evidence demonstrating an impact on protein function has been reported. The following publication have been ascertained in the context of this evaluation (PMID: 35703132). ClinVar contains an entry for this variant (Variation ID: 1299300). Based on the evidence outlined above, the variant was classified as pathogenic.

Center of Excellence in Precision Medicine and Digital Health (CEPMDH), Faculty of Dentistry, Chulalongkorn University
Classification: Pathogenic for Osteogenesis imperfecta type 13. Review status: criteria provided, single submitter. Criteria: ACMG Guidelines, 2015. Collection method: clinical testing. Allele origin: inherited. Inheritance: Autosomal recessive inheritance. Affected: yes. Observed: 1 variant allele, 1 compound heterozygote.
Comment: This variant is absent from database (gnomAD, 1000 Genomes Project Consortium, dbSNPs, Thai reference exome (T-Rex) variant database) and classified as pathogenic using ACMG Guidelines.

Literature cited by the submitters: PubMed 35703132 (cited by Women's Health and Genetics/Laboratory Corporation of America, LabCorp).